The following is an entry in ClinVar:

ClinVar aggregate classification (germline): Uncertain significance (1 of 4 stars; one submission).

Conditions:
Combined immunodeficiency due to LRBA deficiency. Also called: Common variable immunodeficiency 8, with autoimmunity. Identifiers: Orphanet 445018, MedGen C3553512, MONDO:0013863, OMIM 614700.

Allele frequency attached by ClinVar (database versions not stated): gnomAD exomes 0.00001; ExAC 0.00003.
gnomAD v4.1: 12 of 1,613,848 alleles (0.00074%); highest among the groups gnomAD compares: South Asian, 0.0099%; no homozygotes.

Submission:

Labcorp Genetics (formerly Invitae), Labcorp
Classification: Uncertain significance for Combined immunodeficiency due to LRBA deficiency. Last evaluated: 2020-09-25. Review status: criteria provided, single submitter. Criteria: Invitae Variant Classification Sherloc (09022015). Collection method: clinical testing. Allele origin: germline.
Comment: In summary, the available evidence is currently insufficient to determine the role of this variant in disease. Therefore, it has been classified as a Variant of Uncertain Significance. Algorithms developed to predict the effect of missense changes on protein structure and function (SIFT, PolyPhen-2, Align-GVGD) all suggest that this variant is likely to be tolerated, but these predictions have not been confirmed by published functional studies and their clinical significance is uncertain. This variant has not been reported in the literature in individuals with LRBA-related conditions. This variant is present in population databases (rs752490558, ExAC 0.02%). This sequence change replaces isoleucine with methionine at codon 2054 of the LRBA protein (p.Ile2054Met). The isoleucine residue is weakly conserved and there is a small physicochemical difference between isoleucine and methionine.

NM_001364905.1(LRBA):c.6129C>G (p.Ile2043Met)

Gene: LRBA (LPS responsive beige-like anchor protein; minus strand). Cytogenetic location: 4q31.3.
Variant type: single nucleotide variant.
Coding change: c.6129C>G on transcript NM_001364905.1 (MANE Select); coding-DNA position 6129, C replaced by G.
Protein change: p.Ile2043Met; replaces isoleucine 2043 with methionine.
Molecular consequence: missense variant.
Genome position (GRCh38, 1-based): chr4:150,590,777, G>C on the plus strand (C>G on the coding strand, the complement: LRBA is on the minus strand). VCF-style: chr4-150590777-G-C. GRCh37 (hg19) VCF-style: chr4-151511929-G-C.
Other names: c.6129C>G, p.Ile2043Met (NM_001199282.3, NM_001367550.1); c.6162C>G, p.Ile2054Met (NM_006726.5); short protein forms I2043M, I2054M.
Identifiers: ClinVar variation 1035214 (VCV001035214.8), dbSNP rs752490558, ClinGen allele CA3102206.